The following is an entry in ClinVar:

ClinVar aggregate classification (germline): Benign/Likely benign. Review status: criteria provided, multiple submitters, no conflicts (2 of 4 stars). 7 submissions from 7 submitters: Benign (2); Likely benign (4). 1 of the submissions does not count toward it. Last evaluated 2026-01-25.

Conditions:
Argininosuccinate lyase deficiency. Also called: ARGININOSUCCINIC ACID LYASE DEFICIENCY; ASL DEFICIENCY; Argininosuccinic aciduria. Identifiers: Orphanet 23, MedGen C0268547, MONDO:0008815, OMIM 207900, HP:0025630.

Allele frequency attached by ClinVar (database versions not stated): 1000 Genomes Project 30x 0.00078; 1000 Genomes Project 0.00100; ESP Exome Variant Server 0.00108; TOPMed 0.00126; gnomAD 0.00230 and 0.00238; gnomAD exomes 0.00252 and 0.00310; ExAC 0.00359.
gnomAD v4.1: 3,981 of 1,613,412 alleles (0.25%); highest among the groups gnomAD compares: Non-Finnish European, 0.23%; 9 homozygotes.

Submissions (7):

Labcorp Genetics (formerly Invitae), Labcorp
Classification: Benign for Argininosuccinate lyase deficiency. Last evaluated: 2026-01-25. Review status: criteria provided, single submitter. Criteria: Invitae Variant Classification Sherloc (09022015). Collection method: clinical testing. Allele origin: germline.

CeGaT Center for Human Genetics Tuebingen
Classification: Likely benign. Last evaluated: 2025-06-01. Review status: criteria provided, single submitter. Criteria: CeGaT Center For Human Genetics Tuebingen Variant Classification Criteria Version 2. Collection method: clinical testing. Allele origin: germline. Affected: yes. Observed: 5 variant alleles.
Comment: ASL: BP4, BP7

Women's Health and Genetics/Laboratory Corporation of America, LabCorp
Classification: Benign. Last evaluated: 2019-03-14. Review status: criteria provided, single submitter. Criteria: LabCorp Variant Classification Summary - May 2015. Collection method: clinical testing. Allele origin: germline.
Comment: Variant summary: ASL c.162C>T alters a non-conserved nucleotide resulting in a synonymous change. 4/5 computational tools predict no significant impact on normal splicing. However, these predictions have yet to be confirmed by functional studies. The variant allele was found at a frequency of 0.0032 in 275066 control chromosomes, predominantly at a frequency of 0.016 within the Finnish subpopulation in the gnomAD database, including 4 homozygotes. The observed variant frequency within Finnish control individuals in the gnomAD database is approximately 4 fold of the estimated maximal expected allele frequency for a pathogenic variant in ASL causing Argininosuccinic Aciduria phenotype (0.0042), strongly suggesting that the variant is a benign polymorphism found primarily in populations of Finnish origin. Balmer_2014 lists the variant as one of the polymorphisms identified in the ASL gene. To our knowledge, no experimental evidence demonstrating an impact on protein function have been reported. A ClinVar submission from a clinical diagnostic laboratory (evaluation after 2014) cites the variant as likely benign. Based on the evidence outlined above, the variant was classified as benign.

Illumina Laboratory Services, Illumina
Classification: Likely benign for Argininosuccinate lyase deficiency. Last evaluated: 2018-01-12. Review status: criteria provided, single submitter. Criteria: ICSL Variant Classification Criteria 13 December 2019. Collection method: clinical testing. Allele origin: germline.
Comment: This variant was observed in the ICSL laboratory as part of a predisposition screen in an ostensibly healthy population. It had not been previously curated by ICSL or reported in the Human Gene Mutation Database (HGMD: prior to June 1st, 2018), and was therefore a candidate for classification through an automated scoring system. Utilizing variant allele frequency, disease prevalence and penetrance estimates, and inheritance mode, an automated score was calculated to assess if this variant is too frequent to cause the disease. Based on the score and internal cut-off values, a variant classified as likely benign is not then subjected to further curation. The score for this variant resulted in a classification of likely benign for this disease.

GeneDx
Classification: Likely benign. Last evaluated: 2016-12-23. Review status: criteria provided, single submitter. Criteria: GeneDx Variant Classification (06012015). Collection method: clinical testing. Allele origin: germline. Affected: yes.
Comment: This variant is considered likely benign or benign based on one or more of the following criteria: it is a conservative change, it occurs at a poorly conserved position in the protein, it is predicted to be benign by multiple in silico algorithms, and/or has population frequency not consistent with disease.

Breakthrough Genomics
Classification: Likely benign. Review status: criteria provided, single submitter. Criteria: ACMG Guidelines, 2015. Collection method: not provided. Allele origin: germline. Inheritance: Autosomal recessive inheritance. Affected: yes.

Natera, Inc.
Classification: Benign for Argininosuccinate lyase deficiency. Last evaluated: 2019-12-05. Review status: no assertion criteria provided. Collection method: clinical testing. Allele origin: germline. Not counted in ClinVar's aggregate classification.

Literature cited by the submitters: PubMed 24166829 (cited by Women's Health and Genetics/Laboratory Corporation of America, LabCorp).

NM_000048.4(ASL):c.162C>T (p.Leu54=)

Gene: ASL (argininosuccinate lyase; plus strand). Cytogenetic location: 7q11.21.
Variant type: single nucleotide variant.
Coding change: c.162C>T on transcript NM_000048.4 (MANE Select); coding-DNA position 162, C replaced by T.
Protein change: p.Leu54=; no amino-acid change (leucine 54 retained).
Molecular consequence: synonymous variant.
Genome position (GRCh38, 1-based): chr7:66,081,952, C>T. VCF-style: chr7-66081952-C-T. GRCh37 (hg19) VCF-style: chr7-65546939-C-T.
Other names: c.162C>T, p.Leu54= (NM_001024943.2, NM_001024944.2, NM_001024946.2).
Identifiers: ClinVar variation 383016 (VCV000383016.58), dbSNP rs140221164, ClinGen allele CA4276836.